The following is an entry in ClinVar:

ClinVar aggregate classification (germline): Uncertain significance (1 of 4 stars; one submission).

Submission:

Labcorp Genetics (formerly Invitae), Labcorp
Classification: Uncertain significance. Last evaluated: 2021-03-09. Review status: criteria provided, single submitter. Criteria: Invitae Variant Classification Sherloc (09022015). Collection method: clinical testing. Allele origin: germline.
Comment: This sequence change replaces alanine with glycine at codon 127 of the GRIN2D protein (p.Ala127Gly). The alanine residue is moderately conserved and there is a small physicochemical difference between alanine and glycine. The frequency data for this variant in the population databases is considered unreliable, as metrics indicate insufficient coverage at this position in the ExAC database. This variant has not been reported in the literature in individuals with GRIN2D-related conditions. Algorithms developed to predict the effect of missense changes on protein structure and function are either unavailable or do not agree on the potential impact of this missense change (SIFT: "Tolerated"; PolyPhen-2: "Probably Damaging"; Align-GVGD: "Class C0"). In summary, the available evidence is currently insufficient to determine the role of this variant in disease. Therefore, it has been classified as a Variant of Uncertain Significance.

NM_000836.4(GRIN2D):c.380C>G (p.Ala127Gly)

Genes: GRIN2D (glutamate ionotropic receptor NMDA type subunit 2D; plus strand), LOC130064856 (ATAC-STARR-seq lymphoblastoid silent region 10880; plus strand). Cytogenetic location: 19q13.33.
Variant type: single nucleotide variant.
Coding change: c.380C>G on transcript NM_000836.4 (MANE Select); coding-DNA position 380, C replaced by G.
Protein change: p.Ala127Gly; replaces alanine 127 with glycine.
Molecular consequence: missense variant.
Genome position (GRCh38, 1-based): chr19:48,398,772, C>G. VCF-style: chr19-48398772-C-G. GRCh37 (hg19) VCF-style: chr19-48902029-C-G.
Other names: short protein forms A127G.
Identifiers: ClinVar variation 1367724 (VCV001367724.8), dbSNP rs1335614928, ClinGen allele CA406689105.
Genomic context (GRCh38, chr19:48,398,772, plus strand): 5'-TGTCGGGGTTGCGCGTGCACGGCGTGGTCTTCGAAGACGACTCGCGCGCGCCCGCCGTCG[C>G]GCCCATCCTCGACTTCCTGTCGGCGCAGACCTCGCTGCCCATCGTGGCCGTGCACGGCGG-3'
Protein context (NP_000827.2, residues 117-137): FEDDSRAPAV[Ala127Gly]PILDFLSAQT